The following is an entry in ClinVar:

ClinVar aggregate classification (germline): Uncertain significance (1 of 4 stars; one submission).

Submission:

Labcorp Genetics (formerly Invitae), Labcorp
Classification: Uncertain significance. Last evaluated: 2023-07-07. Review status: criteria provided, single submitter. Criteria: Invitae Variant Classification Sherloc (09022015). Collection method: clinical testing. Allele origin: germline.
Comment: ClinVar contains an entry for this variant (Variation ID: 1390487). This variant has not been reported in the literature in individuals affected with TRAK1-related conditions. This variant is not present in population databases (gnomAD no frequency). This sequence change replaces methionine, which is neutral and non-polar, with isoleucine, which is neutral and non-polar, at codon 382 of the TRAK1 protein (p.Met382Ile). In summary, the available evidence is currently insufficient to determine the role of this variant in disease. Therefore, it has been classified as a Variant of Uncertain Significance. An algorithm developed to predict the effect of missense changes on protein structure and function (PolyPhen-2) suggests that this variant is likely to be disruptive.

NM_001042646.3(TRAK1):c.1146G>A (p.Met382Ile)

Gene: TRAK1 (trafficking kinesin protein 1; plus strand). Cytogenetic location: 3p22.1.
Variant type: single nucleotide variant.
Coding change: c.1146G>A on transcript NM_001042646.3 (MANE Select); coding-DNA position 1146, G replaced by A.
Protein change: p.Met382Ile; replaces methionine 382 with isoleucine.
Molecular consequence: missense variant. On other transcripts: non-coding transcript variant (1).
Genome position (GRCh38, 1-based): chr3:42,199,209, G>A. VCF-style: chr3-42199209-G-A. GRCh37 (hg19) VCF-style: chr3-42240701-G-A.
Other names: c.1146G>A, p.Met382Ile (NM_001265608.2, NM_001349246.2, NM_001349247.2); c.924G>A, p.Met308Ile (NM_001265609.2, NM_001265610.1, NM_001349248.1 and 1 more transcripts); c.834G>A, p.Met278Ile (NM_001349245.1); c.972G>A, p.Met324Ile (NM_014965.5); short protein forms M308I, M324I, M278I, M382I.
Identifiers: ClinVar variation 1390487 (VCV001390487.6), dbSNP rs2149461152, ClinGen allele CA352245745.